The following is an entry in ClinVar:

NM_000288.4(PEX7):c.417+3A>G

Gene: PEX7 (peroxisomal biogenesis factor 7; plus strand). Cytogenetic location: 6q23.3.
Variant type: single nucleotide variant.
Coding change: c.417+3A>G on transcript NM_000288.4 (MANE Select); 3 bases into the intron after coding-DNA position 417, A replaced by G.
Molecular consequence: intron variant.
Genome position (GRCh38, 1-based): chr6:136,845,695, A>G. VCF-style: chr6-136845695-A-G. GRCh37 (hg19) VCF-style: chr6-137166833-A-G.
Other names: c.303+3A>G (NM_001410945.1).
Identifiers: ClinVar variation 3775907 (VCV003775907.3).

ClinVar aggregate classification (germline): Uncertain significance (1 of 4 stars; one submission).

Conditions:
Peroxisome biogenesis disorder 9B. Also called: Refsum disease, adult, 2; PEX7-Related Refsum Disease; PEROXISOME BIOGENESIS DISORDER, PEX7-RELATED, ATYPICAL. Identifiers: Orphanet 773, MedGen C2749346, MONDO:0013945, OMIM 614879.

gnomAD v4.1: 3 of 1,574,652 alleles (0.00019%); highest among the groups gnomAD compares: East Asian, 0.0045%; no homozygotes.

Submission:

3billion
Classification: Uncertain significance for Peroxisome biogenesis disorder 9B. Last evaluated: 2025-07-09. Review status: criteria provided, single submitter. Criteria: ACMG Guidelines, 2015. Collection method: clinical testing. Allele origin: germline. Affected: yes.
Comment: The variant is observed at an extremely low frequency in the gnomAD v4.1.0 dataset (total allele frequency: <0.001%). Predicted Consequence/Location: Intron variant In silico tools predict the variant to alter splicing and produce an abnormal transcript [SpliceAI: 0.74 (>=0.2, moderate evidence for spliceogenicity)]. The variant has been reported to be in trans with a pathogenic variant as either compound heterozygous or homozygous in at least one similarly affected unrelated individual (3billion dataset). Therefore, this variant is classified as VUS according to the recommendation of ACMG/AMP guideline.